The following is an entry in ClinVar:

ClinVar aggregate classification (germline): Uncertain significance (1 of 4 stars; one submission).

Conditions:
Hereditary cancer-predisposing syndrome. Also called: Hereditary Cancer Syndrome; Tumor predisposition; Hereditary neoplastic syndrome; Neoplastic Syndromes, Hereditary. Identifiers: Orphanet 140162, MedGen C0027672, MeSH D009386, MONDO:0015356.

Submission:

Ambry Genetics
Classification: Uncertain significance for Hereditary cancer-predisposing syndrome. Last evaluated: 2024-05-20. Review status: criteria provided, single submitter. Criteria: Ambry Variant Classification Scheme 2023. Collection method: clinical testing. Allele origin: germline.
Comment: The p.R791P variant (also known as c.2372G>C), located in coding exon 10 of the BLM gene, results from a G to C substitution at nucleotide position 2372. The arginine at codon 791 is replaced by proline, an amino acid with dissimilar properties. This amino acid position is conserved. In addition, this alteration is predicted to be deleterious by in silico analysis. Based on the available evidence, the clinical significance of this variant remains unclear.

NM_000057.4(BLM):c.2372G>C (p.Arg791Pro)

Gene: BLM (BLM RecQ like helicase; plus strand). Cytogenetic location: 15q26.1.
Variant type: single nucleotide variant.
Coding change: c.2372G>C on transcript NM_000057.4 (MANE Select); coding-DNA position 2372, G replaced by C.
Protein change: p.Arg791Pro; replaces arginine 791 with proline.
Molecular consequence: missense variant.
Genome position (GRCh38, 1-based): chr15:90,769,197, G>C. VCF-style: chr15-90769197-G-C. GRCh37 (hg19) VCF-style: chr15-91312427-G-C.
Other names: c.2372G>C, p.Arg791Pro (NM_001287246.2, NM_001287247.2); c.1247G>C, p.Arg416Pro (NM_001287248.2); short protein forms R416P, R791P.
Identifiers: ClinVar variation 3261037 (VCV003261037.1).